The following is an entry in ClinVar:

ClinVar aggregate classification (germline): Pathogenic/Likely pathogenic. Review status: criteria provided, multiple submitters, no conflicts (2 of 4 stars). 2 submissions from 2 submitters: Pathogenic (1); Likely pathogenic (1). Last evaluated 2024-09-18.

Conditions:
FGF3-related disorders.

gnomAD v4.1: 31 of 1,613,196 alleles (0.0019%); highest among the groups gnomAD compares: Non-Finnish European, 0.0025%; no homozygotes.

Submissions (2):

Blueprint Genetics
Classification: Likely pathogenic for FGF3-related disorders. Last evaluated: 2024-09-18. Review status: criteria provided, single submitter. Criteria: ACMG Guidelines, 2015. Collection method: clinical testing. Allele origin: germline. Affected: yes. Observed: 4 variant alleles.

Labcorp Genetics (formerly Invitae), Labcorp
Classification: Pathogenic. Last evaluated: 2024-08-31. Review status: criteria provided, single submitter. Criteria: Invitae Variant Classification Sherloc (09022015). Collection method: clinical testing. Allele origin: germline.
Comment: This sequence change creates a premature translational stop signal (p.Tyr106*) in the FGF3 gene. While this is not anticipated to result in nonsense mediated decay, it is expected to disrupt the last 134 amino acid(s) of the FGF3 protein. This variant is present in population databases (rs782098384, gnomAD 0.002%). This variant has not been reported in the literature in individuals affected with FGF3-related conditions. This variant disrupts a region of the FGF3 protein in which other variant(s) (p.Ser156Pro) have been determined to be pathogenic (PMID: 17236138). This suggests that this is a clinically significant region of the protein, and that variants that disrupt it are likely to be disease-causing. For these reasons, this variant has been classified as Pathogenic.

Literature cited by the submitters: PubMed 17236138 (cited by Labcorp Genetics (formerly Invitae), Labcorp).

NM_005247.4(FGF3):c.318T>A (p.Tyr106Ter)

Gene: FGF3 (fibroblast growth factor 3; minus strand). Cytogenetic location: 11q13.3.
Variant type: single nucleotide variant.
Coding change: c.318T>A on transcript NM_005247.4 (MANE Select); coding-DNA position 318, T replaced by A.
Protein change: p.Tyr106Ter; replaces tyrosine 106 with a stop codon.
Molecular consequence: nonsense.
Genome position (GRCh38, 1-based): chr11:69,816,326, A>T on the plus strand (T>A on the coding strand, the complement: FGF3 is on the minus strand). VCF-style: chr11-69816326-A-T. GRCh37 (hg19) VCF-style: chr11-69631094-A-T.
Other names: short protein forms Y106*.
Identifiers: ClinVar variation 3615027 (VCV003615027.3).
Genomic context (GRCh38, chr11:69,816,326, plus strand): 5'-GCAGGCCAGACCGCTACTCCGTCAGCGCCCACCCACGTGACAGCCTGGACTCACCGAAGC[A>T]TAGAGTCGTCCCCTCTTGTTCATGGCCAGGTACCGCCCGGAGAAGAGACCCCTGATGGCC-3'